The following is an entry in ClinVar:

ClinVar aggregate classification (germline): Uncertain significance (1 of 4 stars; one submission).

Conditions:
Bethlem myopathy 1A. Also called: Bethlem myopathy 1; Bethlem Muscular Dystrophy; MYOPATHY, BENIGN CONGENITAL, WITH CONTRACTURES. Identifiers: Orphanet 610, MedGen CN029274, MONDO:0024530, OMIM 158810.

Submission:

Labcorp Genetics (formerly Invitae), Labcorp
Classification: Uncertain significance for Bethlem myopathy 1A. Last evaluated: 2021-10-21. Review status: criteria provided, single submitter. Criteria: Invitae Variant Classification Sherloc (09022015). Collection method: clinical testing. Allele origin: germline.
Comment: In summary, the available evidence is currently insufficient to determine the role of this variant in disease. Therefore, it has been classified as a Variant of Uncertain Significance. Algorithms developed to predict the effect of missense changes on protein structure and function are either unavailable or do not agree on the potential impact of this missense change (SIFT: "Tolerated"; PolyPhen-2: "Probably Damaging"; Align-GVGD: "Class C0"). This variant has not been reported in the literature in individuals affected with COL6A3-related conditions. This variant is not present in population databases (ExAC no frequency). This sequence change replaces isoleucine with threonine at codon 1437 of the COL6A3 protein (p.Ile1437Thr). The isoleucine residue is moderately conserved and there is a moderate physicochemical difference between isoleucine and threonine.

NM_004369.4(COL6A3):c.4310T>C (p.Ile1437Thr)

Gene: COL6A3 (collagen type VI alpha 3 chain; minus strand). Cytogenetic location: 2q37.3.
Variant type: single nucleotide variant.
Coding change: c.4310T>C on transcript NM_004369.4 (MANE Select); coding-DNA position 4310, T replaced by C.
Protein change: p.Ile1437Thr; replaces isoleucine 1437 with threonine.
Molecular consequence: missense variant.
Genome position (GRCh38, 1-based): chr2:237,369,153, A>G on the plus strand (T>C on the coding strand, the complement: COL6A3 is on the minus strand). VCF-style: chr2-237369153-A-G. GRCh37 (hg19) VCF-style: chr2-238277796-A-G.
Other names: c.2489T>C, p.Ile830Thr (NM_057166.5); c.3692T>C, p.Ile1231Thr (NM_057167.4); short protein forms I1231T, I1437T, I830T.
Identifiers: ClinVar variation 1388503 (VCV001388503.6), dbSNP rs2106353352, ClinGen allele CA351193791.